The following is an entry in ClinVar:

NM_015512.5(DNAH1):c.4457G>A (p.Arg1486Gln)

Gene: DNAH1 (dynein axonemal heavy chain 1; plus strand). Cytogenetic location: 3p21.1.
Variant type: single nucleotide variant.
Coding change: c.4457G>A on transcript NM_015512.5 (MANE Select); coding-DNA position 4457, G replaced by A.
Protein change: p.Arg1486Gln; replaces arginine 1486 with glutamine.
Molecular consequence: missense variant.
Genome position (GRCh38, 1-based): chr3:52,359,965, G>A. VCF-style: chr3-52359965-G-A. GRCh37 (hg19) VCF-style: chr3-52393981-G-A.
Other names: short protein forms R1486Q.
Identifiers: ClinVar variation 1508053 (VCV001508053.6), dbSNP rs540607147, ClinGen allele CA2433915.

ClinVar aggregate classification (germline): Uncertain significance. Review status: criteria provided, multiple submitters, no conflicts (2 of 4 stars). 2 submissions from 2 submitters: Uncertain significance (2). Last evaluated 2024-10-25.

Conditions:
Spermatogenic failure 18. Identifiers: MedGen C4539783, MONDO:0054615, OMIM 617576.
Ciliary dyskinesia, primary, 37 (CILD37). Also called: CILIARY DYSKINESIA, PRIMARY, 37, WITH OR WITHOUT SITUS INVERSUS. Identifiers: MedGen C4539798, MONDO:0033204, OMIM 617577.

Allele frequency attached by ClinVar (database versions not stated): ExAC 0.00001; gnomAD exomes 0.00002; gnomAD 0.00005 and 0.00007; TOPMed 0.00007; 1000 Genomes Project 30x 0.00016; 1000 Genomes Project 0.00020.
gnomAD v4.1: 41 of 1,613,896 alleles (0.0025%); highest among the groups gnomAD compares: Admixed American, 0.01%; 1 homozygote.

Submissions (2):

Labcorp Genetics (formerly Invitae), Labcorp
Classification: Uncertain significance for Ciliary dyskinesia, primary, 37; Spermatogenic failure 18. Last evaluated: 2024-10-25. Review status: criteria provided, single submitter. Criteria: Invitae Variant Classification Sherloc (09022015). Collection method: clinical testing. Allele origin: germline.
Comment: This sequence change replaces arginine, which is basic and polar, with glutamine, which is neutral and polar, at codon 1486 of the DNAH1 protein (p.Arg1486Gln). This variant is present in population databases (rs540607147, gnomAD 0.008%). This variant has not been reported in the literature in individuals affected with DNAH1-related conditions. ClinVar contains an entry for this variant (Variation ID: 1508053). Invitae Evidence Modeling of protein sequence and biophysical properties (such as structural, functional, and spatial information, amino acid conservation, physicochemical variation, residue mobility, and thermodynamic stability) indicates that this missense variant is not expected to disrupt DNAH1 protein function with a negative predictive value of 80%. In summary, the available evidence is currently insufficient to determine the role of this variant in disease. Therefore, it has been classified as a Variant of Uncertain Significance.

AiLife Diagnostics
Classification: Uncertain significance. Last evaluated: 2022-01-26. Review status: criteria provided, single submitter. Criteria: ACMG Guidelines, 2015. Collection method: clinical testing. Allele origin: germline. Affected: yes. Observed: 1 variant allele.